The following is an entry in ClinVar:

NM_000264.5(PTCH1):c.3278G>A (p.Gly1093Glu)

Gene: PTCH1 (patched 1; minus strand). Cytogenetic location: 9q22.32.
Variant type: single nucleotide variant.
Coding change: c.3278G>A on transcript NM_000264.5 (MANE Select); coding-DNA position 3278, G replaced by A.
Protein change: p.Gly1093Glu; replaces glycine 1093 with glutamic acid.
Molecular consequence: missense variant. On other transcripts: non-coding transcript variant (1).
Genome position (GRCh38, 1-based): chr9:95,456,304, C>T on the plus strand (G>A on the coding strand, the complement: PTCH1 is on the minus strand). VCF-style: chr9-95456304-C-T. GRCh37 (hg19) VCF-style: chr9-98218586-C-T.
Other names: c.3080G>A, p.Gly1027Glu (NM_001083602.3); c.3275G>A, p.Gly1092Glu (NM_001083603.3); c.2825G>A, p.Gly942Glu (NM_001083604.3, NM_001083605.3, NM_001083606.3 and 1 more transcripts); c.3122G>A, p.Gly1041Glu (NM_001354918.2); short protein forms G1027E, G1041E, G1092E, G1093E, G942E.
Identifiers: ClinVar variation 2678074 (VCV002678074.2), dbSNP rs2538056200, ClinGen allele CA374112010.
Genomic context (GRCh38, chr9:95,456,304, plus strand): 5'-CACAAAGTTTTTGCTTCAAATGTCTCCCATACCAAAGCAACGTGAACGGTGAACTCCACT[C>T]CTATGCCAACAGAAGCGATCAGGATGACCACGGGCACGGCACTGAGCTTGATTCCGATGA-3'
Protein context (NP_000255.2, residues 1083-1103): VVILIASVGI[Gly1093Glu]VEFTVHVALA

ClinVar aggregate classification (germline): Uncertain significance. Review status: criteria provided, multiple submitters, no conflicts (2 of 4 stars). 2 submissions from 2 submitters: Uncertain significance (2). Last evaluated 2025-11-10.

Conditions:
Gorlin syndrome. Also called: Nevoid Basal Cell Carcinoma Syndrome; Basal cell nevus syndrome. Identifiers: Orphanet 377, MedGen C0004779, MONDO:0007187.
Basal cell carcinoma, susceptibility to, 1. Also called: BCC1. Identifiers: MedGen C2751544, MONDO:0011556, OMIM 605462.

Submissions (2):

Labcorp Genetics (formerly Invitae), Labcorp
Classification: Uncertain significance for Gorlin syndrome. Last evaluated: 2025-11-10. Review status: criteria provided, single submitter. Criteria: Invitae Variant Classification Sherloc (09022015). Collection method: clinical testing. Allele origin: germline.
Comment: This sequence change replaces glycine, which is neutral and non-polar, with glutamic acid, which is acidic and polar, at codon 1093 of the PTCH1 protein (p.Gly1093Glu). This variant is not present in population databases (gnomAD no frequency). This variant has not been reported in the literature in individuals affected with PTCH1-related conditions. ClinVar contains an entry for this variant (Variation ID: 2678074). Invitae Evidence Modeling of protein sequence and biophysical properties (such as structural, functional, and spatial information, amino acid conservation, physicochemical variation, residue mobility, and thermodynamic stability) has been performed for this missense variant. However, the output from this modeling did not meet the statistical confidence thresholds required to predict the impact of this variant on PTCH1 protein function. This variant disrupts the p.Gly1093 amino acid residue in PTCH1. Other variant(s) that disrupt this residue have been determined to be pathogenic (PMID: 16508594, 22844361, 24369017, 30754660). This suggests that this residue is clinically significant, and that variants that disrupt this residue are likely to be disease-causing. In summary, the available evidence is currently insufficient to determine the role of this variant in disease. Therefore, it has been classified as a Variant of Uncertain Significance.

Baylor Genetics
Classification: Uncertain significance for Basal cell carcinoma, susceptibility to, 1. Last evaluated: 2023-10-20. Review status: criteria provided, single submitter. Criteria: ACMG Guidelines, 2015. Collection method: clinical testing. Allele origin: unknown.

Literature cited by the submitters: PubMed 16508594 (cited by Labcorp Genetics (formerly Invitae), Labcorp); PubMed 22844361 (cited by Labcorp Genetics (formerly Invitae), Labcorp); PubMed 24369017 (cited by Labcorp Genetics (formerly Invitae), Labcorp); PubMed 30754660 (cited by Labcorp Genetics (formerly Invitae), Labcorp).